The following is an entry in ClinVar:

NC_000018.10:g.62085265del

Gene: PIGN (phosphatidylinositol glycan anchor biosynthesis class N; minus strand). Cytogenetic location: 18q21.33.
Variant type: Deletion.
Genome position: GRCh38 VCF-style: chr18-62085263-AC-A. GRCh37 (hg19) VCF-style: chr18-59752496-AC-A.
Identifiers: ClinVar variation 2916404 (VCV002916404.3), dbSNP rs2512445672, ClinGen allele CA2739276282.

ClinVar aggregate classification (germline): Pathogenic (1 of 4 stars; one submission).

Conditions:
Multiple congenital anomalies-hypotonia-seizures syndrome 1 (MCAHS1). Also called: Congenital disorder of glycosylation due to PIGN deficiency; PIGN-CDG; GLYCOSYLPHOSPHATIDYLINOSITOL BIOSYNTHESIS DEFECT 3. Identifiers: Orphanet 280633, MedGen C3279775, MONDO:0013563, OMIM 614080.

Submission:

Labcorp Genetics (formerly Invitae), Labcorp
Classification: Pathogenic for Multiple congenital anomalies-hypotonia-seizures syndrome 1. Last evaluated: 2023-03-11. Review status: criteria provided, single submitter. Criteria: Invitae Variant Classification Sherloc (09022015). Collection method: clinical testing. Allele origin: germline.
Comment: For these reasons, this variant has been classified as Pathogenic. Algorithms developed to predict the effect of sequence changes on RNA splicing suggest that this variant may disrupt the consensus splice site. This variant has not been reported in the literature in individuals affected with PIGN-related conditions. This variant is not present in population databases (gnomAD no frequency). This sequence change creates a premature translational stop signal (p.Val791Phefs*4) in the PIGN gene. It is expected to result in an absent or disrupted protein product. Loss-of-function variants in PIGN are known to be pathogenic (PMID: 24253414, 27038415).

Literature cited by the submitters: PubMed 24253414; PubMed 27038415.